The following is an entry in ClinVar:

ClinVar aggregate classification (germline): Conflicting classifications of pathogenicity. Review status: criteria provided, conflicting classifications (1 of 4 stars). 5 submissions from 5 submitters: Pathogenic (3); Likely pathogenic (1); Uncertain significance (1). Last evaluated 2023-06-19.

Conditions:
Encephalopathy, progressive, early-onset, with brain edema and/or leukoencephalopathy. Identifiers: MedGen CN263076, MONDO:0014960.
Encephalopathy, progressive, early-onset, with brain edema and/or leukoencephalopathy, 1 (PEBEL1). Also called: NAD(P)HX epimerase deficiency. Identifiers: Orphanet 555407, MedGen C4310675, MONDO:0020781, OMIM 617186.
NAXE-related disorder. Also called: NAXE-related condition.

Submissions (5):

PreventionGenetics, part of Exact Sciences
Classification: Likely pathogenic for NAXE-related condition. Last evaluated: 2023-06-19. Review status: criteria provided, single submitter. Criteria: ACMG Guidelines, 2015. Collection method: clinical testing. Allele origin: germline.
Comment: The NAXE c.326dupC variant is predicted to result in a frameshift and premature protein termination (p.Thr110Tyrfs*11). This variant was reported in an individual with Congenital heart disease (Edwards et al 2020. PubMed ID: 32368696). This variant is reported in 0.014% of alleles in individuals of Latino descent in gnomAD. Frameshift variants in NAXE are expected to be pathogenic. This variant is interpreted as likely pathogenic.

Labcorp Genetics (formerly Invitae), Labcorp
Classification: Pathogenic. Last evaluated: 2023-05-23. Review status: criteria provided, single submitter. Criteria: Invitae Variant Classification Sherloc (09022015). Collection method: clinical testing. Allele origin: germline.
Comment: For these reasons, this variant has been classified as Pathogenic. ClinVar contains an entry for this variant (Variation ID: 634634). This variant has not been reported in the literature in individuals affected with NAXE-related conditions. This variant is present in population databases (rs779820587, gnomAD 0.01%). This sequence change creates a premature translational stop signal (p.Thr110Tyrfs*11) in the NAXE gene. It is expected to result in an absent or disrupted protein product. Loss-of-function variants in NAXE are known to be pathogenic (PMID: 27290639, 27616477, 33798445).

Revvity Omics, Revvity
Classification: Pathogenic for Encephalopathy, progressive, early-onset, with brain edema and/or leukoencephalopathy, 1. Last evaluated: 2019-11-01. Review status: criteria provided, single submitter. Criteria: ACMG Guidelines, 2015. Collection method: clinical testing. Allele origin: germline.

Rady Children's Institute for Genomic Medicine, Rady Children's Hospital San Diego
Classification: Pathogenic for ENCEPHALOPATHY, PROGRESSIVE, EARLY-ONSET, WITH BRAIN EDEMA AND/OR LEUKOENCEPHALOPATHY. Last evaluated: 2019-05-02. Review status: criteria provided, single submitter. Criteria: ACMG Guidelines, 2015. Collection method: clinical testing. Allele origin: germline. Affected: yes.
Comment: This frameshifting variant in exon 3 of 6 introduces a premature stop codon and is therefore predicted to result in loss of normal protein function. This variant has not been previously reported or functionally characterized in the literature to our knowledge. It is present in the heterozygous state in the gnomAD population database at a frequency of 0.002% (6/251464) and thus is presumed to be rare. Based on the predicted consequence of the variant and phenotypic overlap, the c.326dup (p.Thr110TyrfsTer11) variant is classified as Pathogenic.

Genomic Research Center, Shahid Beheshti University of Medical Sciences
Classification: Uncertain significance for Encephalopathy, progressive, early-onset, with brain edema and/or leukoencephalopathy. Last evaluated: 2019-01-01. Review status: criteria provided, single submitter. Criteria: ACMG Guidelines, 2015. Collection method: clinical testing. Allele origin: unknown. Affected: no. Observed: 1 variant allele.

Literature cited by the submitters: PubMed 27290639 (cited by Labcorp Genetics (formerly Invitae), Labcorp); PubMed 27616477 (cited by Labcorp Genetics (formerly Invitae), Labcorp); PubMed 33798445 (cited by Labcorp Genetics (formerly Invitae), Labcorp).

NM_144772.3(NAXE):c.326dup (p.Thr110fs)

Gene: NAXE (NAD(P)HX epimerase; plus strand). Cytogenetic location: 1q22.
Variant type: Duplication.
Coding change: c.326dup on transcript NM_144772.3 (MANE Select); coding-DNA position 326, one base duplicated (C; older notation c.326dupC).
Protein change: p.Thr110fs; shifts the reading frame from threonine 110.
Molecular consequence: frameshift variant.
Genome position (GRCh38, 1-based): chr1:156,592,399, C duplicated; the last of 6 consecutive C bases (chr1:156,592,394-156,592,399); duplicating any one gives the same sequence. VCF-style (leftmost placement, unchanged base first): chr1-156592393-G-GC. GRCh37 (hg19) VCF-style: chr1-156562185-G-GC.
Other names: c.326dupC (NM_144772.2); short protein forms T110fs.
Identifiers: ClinVar variation 634634 (VCV000634634.15), dbSNP rs779820587, ClinGen allele CA1162727.